The following is an entry in ClinVar:

NM_020719.3(PRR12):c.5426C>T (p.Ala1809Val)

Gene: PRR12 (proline rich 12; plus strand). Cytogenetic location: 19q13.33.
Variant type: single nucleotide variant.
Coding change: c.5426C>T on transcript NM_020719.3 (MANE Select); coding-DNA position 5426, C replaced by T.
Protein change: p.Ala1809Val; replaces alanine 1809 with valine.
Molecular consequence: missense variant.
Genome position (GRCh38, 1-based): chr19:49,616,148, C>T. VCF-style: chr19-49616148-C-T. GRCh37 (hg19) VCF-style: chr19-50119405-C-T.
Other names: short protein forms A1809V.
Identifiers: ClinVar variation 5008347 (VCV005008347.1).

ClinVar aggregate classification (germline): Uncertain significance (1 of 4 stars; one submission).

Submission:

GeneDx
Classification: Uncertain significance. Last evaluated: 2026-02-18. Review status: criteria provided, single submitter. Criteria: GeneDx Variant Classification Process June 2021. Collection method: clinical testing. Allele origin: germline.
Comment: Not observed at significant frequency in large population cohorts (gnomAD); In silico analysis suggests that this missense variant does not alter protein structure/function; Has not been previously published as pathogenic or benign to our knowledge